The following is an entry in ClinVar:

NM_004519.4(KCNQ3):c.2060A>T (p.Tyr687Phe)

Gene: KCNQ3 (potassium voltage-gated channel subfamily Q member 3; minus strand). Cytogenetic location: 8q24.22.
Variant type: single nucleotide variant.
Coding change: c.2060A>T on transcript NM_004519.4 (MANE Select); coding-DNA position 2060, A replaced by T.
Protein change: p.Tyr687Phe; replaces tyrosine 687 with phenylalanine.
Molecular consequence: missense variant.
Genome position (GRCh38, 1-based): chr8:132,129,821, T>A on the plus strand (A>T on the coding strand, the complement: KCNQ3 is on the minus strand). VCF-style: chr8-132129821-T-A. GRCh37 (hg19) VCF-style: chr8-133142068-T-A.
Other names: c.1700A>T, p.Tyr567Phe (NM_001204824.2); short protein forms Y687F, Y567F.
Identifiers: ClinVar variation 948423 (VCV000948423.10), dbSNP rs757584140, ClinGen allele CA4880513.

ClinVar aggregate classification (germline): Uncertain significance. Review status: criteria provided, multiple submitters, no conflicts (2 of 4 stars). 2 submissions from 2 submitters: Uncertain significance (2). Last evaluated 2025-06-23.

Conditions:
Benign neonatal seizures. Also called: Convulsions benign familial neonatal dominant form; Autosomal dominant form of benign neonatal seizures; Benign familial neonatal epilepsy; Benign neonatal familial convulsions; Benign familial neonatal seizures. Identifiers: Orphanet 1949, MedGen C0220669, MONDO:0016027.
Inborn genetic diseases. Identifiers: MedGen C0950123, MeSH D030342.

Allele frequency attached by ClinVar (database versions not stated): ExAC 0.00001.
gnomAD v4.1: 3 of 1,614,186 alleles (0.00019%); highest among the groups gnomAD compares: Middle Eastern, 0.033%; no homozygotes.

Submissions (2):

Ambry Genetics
Classification: Uncertain significance for Inborn genetic diseases. Last evaluated: 2025-06-23. Review status: criteria provided, single submitter. Criteria: Ambry Variant Classification Scheme 2023. Collection method: clinical testing. Allele origin: germline.

Labcorp Genetics (formerly Invitae), Labcorp
Classification: Uncertain significance for Benign neonatal seizures. Last evaluated: 2019-06-06. Review status: criteria provided, single submitter. Criteria: Invitae Variant Classification Sherloc (09022015). Collection method: clinical testing. Allele origin: germline.
Comment: In summary, the available evidence is currently insufficient to determine the role of this variant in disease. Therefore, it has been classified as a Variant of Uncertain Significance. Algorithms developed to predict the effect of missense changes on protein structure and function (SIFT, PolyPhen-2, Align-GVGD) all suggest that this variant is likely to be tolerated, but these predictions have not been confirmed by published functional studies and their clinical significance is uncertain. This variant has not been reported in the literature in individuals with KCNQ3-related conditions. This variant is present in population databases (rs757584140, ExAC 0.001%). This sequence change replaces tyrosine with phenylalanine at codon 687 of the KCNQ3 protein (p.Tyr687Phe). The tyrosine residue is highly conserved and there is a small physicochemical difference between tyrosine and phenylalanine.